The following is an entry in ClinVar:

NM_001368882.1(COL13A1):c.1481A>G (p.Gln494Arg)

Gene: COL13A1 (collagen type XIII alpha 1 chain; plus strand). Cytogenetic location: 10q22.1.
Variant type: single nucleotide variant.
Coding change: c.1481A>G on transcript NM_001368882.1 (MANE Select); coding-DNA position 1481, A replaced by G.
Protein change: p.Gln494Arg; replaces glutamine 494 with arginine.
Molecular consequence: missense variant.
Genome position (GRCh38, 1-based): chr10:69,928,995, A>G. VCF-style: chr10-69928995-A-G. GRCh37 (hg19) VCF-style: chr10-71688751-A-G.
Other names: c.1448A>G, p.Gln483Arg (NM_001130103.2); c.1418A>G, p.Gln473Arg (NM_001320951.2, NM_001368884.1); c.1445A>G, p.Gln482Arg (NM_001368883.1); c.1382A>G, p.Gln461Arg (NM_001368885.1, NM_080801.4, NM_080802.4); c.818A>G, p.Gln273Arg (NM_001368886.1); c.1391A>G, p.Gln464Arg (NM_001368895.1, NM_080800.4); c.1277A>G, p.Gln426Arg (NM_001368896.1, NM_001368898.1, NM_080798.4); c.1304A>G, p.Gln435Arg (NM_001368897.1); and 1 more; short protein forms Q464R, Q473R, Q273R, Q435R, Q483R, Q494R, Q426R, Q432R.
Identifiers: ClinVar variation 3012105 (VCV003012105.3), dbSNP rs763581291, ClinGen allele CA5534780.

ClinVar aggregate classification (germline): Uncertain significance (1 of 4 stars; one submission).

Allele frequency attached by ClinVar (database versions not stated): gnomAD exomes below 0.00001; ExAC 0.00003; gnomAD 0.00001; TOPMed 0.00001.
gnomAD v4.1: 7 of 1,612,846 alleles (0.00043%); highest among the groups gnomAD compares: East Asian, 0.0067%; no homozygotes.

Submission:

Labcorp Genetics (formerly Invitae), Labcorp
Classification: Uncertain significance. Last evaluated: 2025-07-30. Review status: criteria provided, single submitter. Criteria: Invitae Variant Classification Sherloc (09022015). Collection method: clinical testing. Allele origin: germline.
Comment: This sequence change replaces glutamine, which is neutral and polar, with arginine, which is basic and polar, at codon 483 of the COL13A1 protein (p.Gln483Arg). This variant is present in population databases (rs763581291, gnomAD 0.01%). This variant has not been reported in the literature in individuals affected with COL13A1-related conditions. ClinVar contains an entry for this variant (Variation ID: 3012105). An algorithm developed to predict the effect of missense changes on protein structure and function (PolyPhen-2) suggests that this variant is likely to be disruptive. In summary, the available evidence is currently insufficient to determine the role of this variant in disease. Therefore, it has been classified as a Variant of Uncertain Significance.